The following is an entry in ClinVar:

ClinVar aggregate classification (germline): Uncertain significance. Review status: criteria provided, multiple submitters, no conflicts (2 of 4 stars). 2 submissions from 2 submitters: Uncertain significance (2). Last evaluated 2026-07-29.

Conditions:
LEPR-related disorder. Also called: LEPR-related condition; LEPR-related disorders.

gnomAD v4.1: 28 of 1,613,924 alleles (0.0017%); highest among the groups gnomAD compares: Non-Finnish European, 0.0023%; no homozygotes.

Submissions (2):

PreventionGenetics, part of Exact Sciences
Classification: Uncertain significance for LEPR-related condition. Last evaluated: 2026-07-29. Review status: criteria provided, single submitter. Criteria: ACMG Guidelines, 2015. Collection method: clinical testing. Allele origin: germline.
Comment: The LEPR c.1932A>C variant is predicted to result in the amino acid substitution p.Glu644Asp. This variant was observed in a cohort of individuals with obesity, and in vitro functional studies showed function similar to that of wildtype levels (Supplemental Data Set, Shah et al. 2023. PubMed ID: 36864747; Courbage et al. 2021. PubMed ID: 34097736). This variant is reported in 0.0044% of alleles in individuals of European (Non-Finnish) descent in gnomAD. At this time, the clinical significance of this variant is uncertain due to the absence of conclusive functional and genetic evidence.

Labcorp Genetics (formerly Invitae), Labcorp
Classification: Uncertain significance. Last evaluated: 2025-08-21. Review status: criteria provided, single submitter. Criteria: Invitae Variant Classification Sherloc (09022015). Collection method: clinical testing. Allele origin: germline.
Comment: This sequence change replaces glutamic acid, which is acidic and polar, with aspartic acid, which is acidic and polar, at codon 644 of the LEPR protein (p.Glu644Asp). This variant is present in population databases (rs765223387, gnomAD 0.004%). This missense change has been observed in individual(s) with obesity (PMID: 34097736). Invitae Evidence Modeling of protein sequence and biophysical properties (such as structural, functional, and spatial information, amino acid conservation, physicochemical variation, residue mobility, and thermodynamic stability) indicates that this missense variant is not expected to disrupt LEPR protein function with a negative predictive value of 80%. In summary, the available evidence is currently insufficient to determine the role of this variant in disease. Therefore, it has been classified as a Variant of Uncertain Significance.

Literature cited by the submitters: PubMed 34097736 (cited by Labcorp Genetics (formerly Invitae), Labcorp).

NM_002303.6(LEPR):c.1932A>C (p.Glu644Asp)

Gene: LEPR (leptin receptor; plus strand). Cytogenetic location: 1p31.3.
Variant type: single nucleotide variant.
Coding change: c.1932A>C on transcript NM_002303.6 (MANE Select); coding-DNA position 1932, A replaced by C.
Protein change: p.Glu644Asp; replaces glutamic acid 644 with aspartic acid.
Molecular consequence: missense variant.
Genome position (GRCh38, 1-based): chr1:65,610,233, A>C. VCF-style: chr1-65610233-A-C. GRCh37 (hg19) VCF-style: chr1-66075916-A-C.
Other names: c.1932A>C, p.Glu644Asp (NM_001003679.3, NM_001003680.3, NM_001198687.2 and 2 more transcripts); short protein forms E644D.
Identifiers: ClinVar variation 4748264 (VCV004748264.2).